The following is an entry in ClinVar:

ClinVar aggregate classification (germline): Uncertain significance. Review status: criteria provided, multiple submitters, no conflicts (2 of 4 stars). 2 submissions from 2 submitters: Uncertain significance (2). Last evaluated 2023-08-02.

Allele frequency attached by ClinVar (database versions not stated): ExAC 0.00002; gnomAD exomes 0.00002; TOPMed 0.00003; gnomAD 0.00004.
gnomAD v4.1: 83 of 1,614,006 alleles (0.0051%); highest among the groups gnomAD compares: Non-Finnish European, 0.0065%; no homozygotes.

Submissions (2):

Ambry Genetics
Classification: Uncertain significance. Last evaluated: 2023-08-02. Review status: criteria provided, single submitter. Criteria: Ambry Variant Classification Scheme 2023. Collection method: clinical testing. Allele origin: germline.

Labcorp Genetics (formerly Invitae), Labcorp
Classification: Uncertain significance. Last evaluated: 2022-12-06. Review status: criteria provided, single submitter. Criteria: Invitae Variant Classification Sherloc (09022015). Collection method: clinical testing. Allele origin: germline.
Comment: In summary, the available evidence is currently insufficient to determine the role of this variant in disease. Therefore, it has been classified as a Variant of Uncertain Significance. Algorithms developed to predict the effect of missense changes on protein structure and function are either unavailable or do not agree on the potential impact of this missense change (SIFT: "Deleterious"; PolyPhen-2: "Not Available"; Align-GVGD: "Class C0"). ClinVar contains an entry for this variant (Variation ID: 1369025). This variant has not been reported in the literature in individuals affected with TMEM132E-related conditions. This variant is present in population databases (rs746328882, gnomAD 0.008%). This sequence change replaces arginine, which is basic and polar, with tryptophan, which is neutral and slightly polar, at codon 767 of the TMEM132E protein (p.Arg767Trp).

NM_001304438.2(TMEM132E):c.2299C>T (p.Arg767Trp)

Gene: TMEM132E (transmembrane protein 132E; plus strand). Cytogenetic location: 17q12.
Variant type: single nucleotide variant.
Coding change: c.2299C>T on transcript NM_001304438.2 (MANE Select); coding-DNA position 2299, C replaced by T.
Protein change: p.Arg767Trp; replaces arginine 767 with tryptophan.
Molecular consequence: missense variant.
Genome position (GRCh38, 1-based): chr17:34,637,306, C>T. VCF-style: chr17-34637306-C-T. GRCh37 (hg19) VCF-style: chr17-32964325-C-T.
Other names: NM_207313.1:c.2029C>T; short protein forms R767W.
Identifiers: ClinVar variation 1369025 (VCV001369025.9), dbSNP rs746328882, ClinGen allele CA8496931.